The following is an entry in ClinVar:

NM_021625.5(TRPV4):c.1559C>A (p.Thr520Asn)

Gene: TRPV4 (transient receptor potential cation channel subfamily V member 4; minus strand). Cytogenetic location: 12q24.11.
Variant type: single nucleotide variant.
Coding change: c.1559C>A on transcript NM_021625.5 (MANE Select); coding-DNA position 1559, C replaced by A.
Protein change: p.Thr520Asn; replaces threonine 520 with asparagine.
Molecular consequence: missense variant.
Genome position (GRCh38, 1-based): chr12:109,793,955, G>T on the plus strand (C>A on the coding strand, the complement: TRPV4 is on the minus strand). VCF-style: chr12-109793955-G-T. GRCh37 (hg19) VCF-style: chr12-110231760-G-T.
Other names: c.1418C>A, p.Thr473Asn (NM_001177428.2); c.1457C>A, p.Thr486Asn (NM_001177431.2); c.1238C>A, p.Thr413Asn (NM_001177433.2); c.1379C>A, p.Thr460Asn (NM_147204.3); short protein forms T413N, T473N, T486N, T520N, T460N.
Identifiers: ClinVar variation 1373301 (VCV001373301.6), dbSNP rs2136479390, ClinGen allele CA386651952.

ClinVar aggregate classification (germline): Uncertain significance (1 of 4 stars; one submission).

Conditions:
Charcot-Marie-Tooth disease axonal type 2C (HMSN2C). Also called: CHARCOT-MARIE-TOOTH DISEASE, AXONAL, AUTOSOMAL DOMINANT, TYPE 2C; Charcot-Marie-Tooth Neuropathy Type 2C; Charcot-Marie-Tooth Disease Type 2, TRPV4-Related (CMT2C). Identifiers: Orphanet 99937, MedGen C1853710, MONDO:0011633, OMIM 606071.

Allele frequency attached by ClinVar (database versions not stated): gnomAD exomes below 0.00001.
gnomAD v4.1: 1 of 1,610,658 alleles (0.000062%); highest among the groups gnomAD compares: Non-Finnish European, 0.000085%; no homozygotes.

Submission:

Labcorp Genetics (formerly Invitae), Labcorp
Classification: Uncertain significance for Charcot-Marie-Tooth disease axonal type 2C. Last evaluated: 2021-08-07. Review status: criteria provided, single submitter. Criteria: Invitae Variant Classification Sherloc (09022015). Collection method: clinical testing. Allele origin: germline.
Comment: In summary, the available evidence is currently insufficient to determine the role of this variant in disease. Therefore, it has been classified as a Variant of Uncertain Significance. Advanced modeling of protein sequence and biophysical properties (such as structural, functional, and spatial information, amino acid conservation, physicochemical variation, residue mobility, and thermodynamic stability) performed at Invitae indicates that this missense variant is not expected to disrupt TRPV4 protein function. This variant has not been reported in the literature in individuals affected with TRPV4-related conditions. This variant is not present in population databases (ExAC no frequency). This sequence change replaces threonine with asparagine at codon 520 of the TRPV4 protein (p.Thr520Asn). The threonine residue is weakly conserved and there is a small physicochemical difference between threonine and asparagine.